The following is an entry in ClinVar:

NM_000890.5(KCNJ5):c.61G>C (p.Asp21His)

Gene: KCNJ5 (potassium inwardly rectifying channel subfamily J member 5; plus strand). Cytogenetic location: 11q24.3.
Variant type: single nucleotide variant.
Coding change: c.61G>C on transcript NM_000890.5 (MANE Select); coding-DNA position 61, G replaced by C.
Protein change: p.Asp21His; replaces aspartic acid 21 with histidine.
Molecular consequence: missense variant.
Genome position (GRCh38, 1-based): chr11:128,911,334, G>C. VCF-style: chr11-128911334-G-C. GRCh37 (hg19) VCF-style: chr11-128781229-G-C.
Other names: c.61G>C, p.Asp21His (NM_001354169.2); short protein forms D21H.
Identifiers: ClinVar variation 1942729 (VCV001942729.6), dbSNP rs974247640, ClinGen allele CA230640344.

ClinVar aggregate classification (germline): Uncertain significance. Review status: criteria provided, multiple submitters, no conflicts (2 of 4 stars). 2 submissions from 2 submitters: Uncertain significance (2). Last evaluated 2023-12-07.

Conditions:
Long QT syndrome (LQTS). Identifiers: MedGen C0023976, MeSH D008133, MONDO:0002442. Disease mechanism: loss of function. Inheritance: Various modes of inheritance.

Allele frequency attached by ClinVar (database versions not stated): gnomAD 0.00001; TOPMed 0.00002.
gnomAD v4.1: 5 of 1,614,044 alleles (0.00031%); highest among the groups gnomAD compares: Admixed American, 0.0033%; no homozygotes.

Submissions (2):

Labcorp Genetics (formerly Invitae), Labcorp
Classification: Uncertain significance for Long QT syndrome. Last evaluated: 2023-12-07. Review status: criteria provided, single submitter. Criteria: Invitae Variant Classification Sherloc (09022015). Collection method: clinical testing. Allele origin: germline.
Comment: This sequence change replaces aspartic acid, which is acidic and polar, with histidine, which is basic and polar, at codon 21 of the KCNJ5 protein (p.Asp21His). This variant is present in population databases (no rsID available, gnomAD 0.003%). This variant has not been reported in the literature in individuals affected with KCNJ5-related conditions. ClinVar contains an entry for this variant (Variation ID: 1942729). Advanced modeling of protein sequence and biophysical properties (such as structural, functional, and spatial information, amino acid conservation, physicochemical variation, residue mobility, and thermodynamic stability) performed at Invitae indicates that this missense variant is not expected to disrupt KCNJ5 protein function with a negative predictive value of 95%. In summary, the available evidence is currently insufficient to determine the role of this variant in disease. Therefore, it has been classified as a Variant of Uncertain Significance.

GeneDx
Classification: Uncertain significance. Last evaluated: 2022-11-22. Review status: criteria provided, single submitter. Criteria: GeneDx Variant Classification Process June 2021. Collection method: clinical testing. Allele origin: germline. Affected: yes.
Comment: Not observed at significant frequency in large population cohorts (gnomAD); In silico analysis supports that this missense variant does not alter protein structure/function; Has not been previously published as pathogenic or benign to our knowledge